The following is an entry in ClinVar:

NM_001040108.2(MLH3):c.4234G>C (p.Glu1412Gln)

Gene: MLH3 (mutL homolog 3; minus strand). Cytogenetic location: 14q24.3.
Variant type: single nucleotide variant.
Coding change: c.4234G>C on transcript NM_001040108.2 (MANE Select); coding-DNA position 4234, G replaced by C.
Protein change: p.Glu1412Gln; replaces glutamic acid 1412 with glutamine.
Molecular consequence: missense variant.
Genome position (GRCh38, 1-based): chr14:75,018,837, C>G on the plus strand (G>C on the coding strand, the complement: MLH3 is on the minus strand). VCF-style: chr14-75018837-C-G. GRCh37 (hg19) VCF-style: chr14-75485540-C-G.
Other names: c.4162G>C, p.Glu1388Gln (NM_014381.3); short protein forms E1412Q, E1388Q.
Identifiers: ClinVar variation 579649 (VCV000579649.15), dbSNP rs376301349, ClinGen allele CA7275198.

ClinVar aggregate classification (germline): Uncertain significance. Review status: criteria provided, multiple submitters, no conflicts (2 of 4 stars). 2 submissions from 2 submitters: Uncertain significance (2). Last evaluated 2025-10-29.

Conditions:
Colorectal cancer, hereditary nonpolyposis, type 7. Identifiers: Orphanet 144, MedGen C1858380, MONDO:0013725, OMIM 614385.

Allele frequency attached by ClinVar (database versions not stated): gnomAD 0.00001 and 0.00002; gnomAD exomes 0.00001; TOPMed 0.00001; ExAC 0.00002; ESP Exome Variant Server 0.00008.
gnomAD v4.1: 22 of 1,614,054 alleles (0.0014%); highest among the groups gnomAD compares: Admixed American, 0.005%; no homozygotes.

Submissions (2):

Ambry Genetics
Classification: Uncertain significance. Last evaluated: 2025-10-29. Review status: criteria provided, single submitter. Criteria: Ambry Variant Classification Scheme 2023. Collection method: clinical testing. Allele origin: germline.

Labcorp Genetics (formerly Invitae), Labcorp
Classification: Uncertain significance for Colorectal cancer, hereditary nonpolyposis, type 7. Last evaluated: 2023-12-22. Review status: criteria provided, single submitter. Criteria: Invitae Variant Classification Sherloc (09022015). Collection method: clinical testing. Allele origin: germline.
Comment: This sequence change replaces glutamic acid, which is acidic and polar, with glutamine, which is neutral and polar, at codon 1412 of the MLH3 protein (p.Glu1412Gln). This variant is present in population databases (rs376301349, gnomAD 0.003%). This variant has not been reported in the literature in individuals affected with MLH3-related conditions. ClinVar contains an entry for this variant (Variation ID: 579649). An algorithm developed to predict the effect of missense changes on protein structure and function (PolyPhen-2) suggests that this variant is likely to be tolerated. In summary, the available evidence is currently insufficient to determine the role of this variant in disease. Therefore, it has been classified as a Variant of Uncertain Significance.